The following is an entry in ClinVar:

NM_053025.4(MYLK):c.1693G>C (p.Val565Leu)

Gene: MYLK (myosin light chain kinase; minus strand). Cytogenetic location: 3q21.1.
Variant type: single nucleotide variant.
Coding change: c.1693G>C on transcript NM_053025.4 (MANE Select); coding-DNA position 1693, G replaced by C.
Protein change: p.Val565Leu; replaces valine 565 with leucine.
Molecular consequence: missense variant.
Genome position (GRCh38, 1-based): chr3:123,722,239, C>G on the plus strand (G>C on the coding strand, the complement: MYLK is on the minus strand). VCF-style: chr3-123722239-C-G. GRCh37 (hg19) VCF-style: chr3-123441086-C-G.
Other names: c.1165G>C, p.Val389Leu (NM_001321309.2); c.1486G>C, p.Val496Leu (NM_053026.4, NM_053028.4); c.1693G>C, p.Val565Leu (NM_053027.4); short protein forms V389L, V565L, V496L.
Identifiers: ClinVar variation 2979730 (VCV002979730.3), dbSNP rs370052625, ClinGen allele CA354235437.

ClinVar aggregate classification (germline): Uncertain significance (1 of 4 stars; one submission).

Conditions:
Aortic aneurysm, familial thoracic 7 (AAT7). Also called: AORTIC DISSECTION, FAMILIAL, WITH OR WITHOUT AORTIC ANEURYSM. Identifiers: MedGen C3151077, MONDO:0013418, OMIM 613780.

gnomAD v4.1: 1 of 1,565,586 alleles (0.000064%); highest among the groups gnomAD compares: Non-Finnish European, 0.000087%; no homozygotes.

Submission:

Labcorp Genetics (formerly Invitae), Labcorp
Classification: Uncertain significance for Aortic aneurysm, familial thoracic 7. Last evaluated: 2023-05-24. Review status: criteria provided, single submitter. Criteria: Invitae Variant Classification Sherloc (09022015). Collection method: clinical testing. Allele origin: germline.
Comment: Advanced modeling of protein sequence and biophysical properties (such as structural, functional, and spatial information, amino acid conservation, physicochemical variation, residue mobility, and thermodynamic stability) performed at Invitae indicates that this missense variant is not expected to disrupt MYLK protein function. This variant has not been reported in the literature in individuals affected with MYLK-related conditions. This variant is not present in population databases (gnomAD no frequency). This sequence change replaces valine, which is neutral and non-polar, with leucine, which is neutral and non-polar, at codon 565 of the MYLK protein (p.Val565Leu). In summary, the available evidence is currently insufficient to determine the role of this variant in disease. Therefore, it has been classified as a Variant of Uncertain Significance.